The following is an entry in ClinVar:

NM_001099274.3(TINF2):c.1300C>G (p.His434Asp)

Gene: TINF2 (TERF1 interacting nuclear factor 2; minus strand). Cytogenetic location: 14q12.
Variant type: single nucleotide variant.
Coding change: c.1300C>G on transcript NM_001099274.3 (MANE Select); coding-DNA position 1300, C replaced by G.
Protein change: p.His434Asp; replaces histidine 434 with aspartic acid.
Molecular consequence: missense variant. On other transcripts: 3 prime UTR variant (1).
Genome position (GRCh38, 1-based): chr14:24,239,853, G>C on the plus strand (C>G on the coding strand, the complement: TINF2 is on the minus strand). VCF-style: chr14-24239853-G-C. GRCh37 (hg19) VCF-style: chr14-24709059-G-C.
Other names: c.1195C>G, p.His399Asp (NM_001363668.2); c.*562C>G (NM_012461.3); short protein forms H399D, H434D.
Identifiers: ClinVar variation 2049703 (VCV002049703.4), dbSNP rs2502447920, ClinGen allele CA389219737.

ClinVar aggregate classification (germline): Uncertain significance (1 of 4 stars; one submission).

Conditions:
Dyskeratosis congenita. Identifiers: Orphanet 1775, MedGen C0265965, MONDO:0015780.

Submission:

Labcorp Genetics (formerly Invitae), Labcorp
Classification: Uncertain significance for Dyskeratosis congenita. Last evaluated: 2022-05-31. Review status: criteria provided, single submitter. Criteria: Invitae Variant Classification Sherloc (09022015). Collection method: clinical testing. Allele origin: germline.
Comment: In summary, the available evidence is currently insufficient to determine the role of this variant in disease. Therefore, it has been classified as a Variant of Uncertain Significance. Algorithms developed to predict the effect of missense changes on protein structure and function (SIFT, PolyPhen-2, Align-GVGD) all suggest that this variant is likely to be tolerated. This variant has not been reported in the literature in individuals affected with TINF2-related conditions. This variant is not present in population databases (gnomAD no frequency). This sequence change replaces histidine, which is basic and polar, with aspartic acid, which is acidic and polar, at codon 434 of the TINF2 protein (p.His434Asp).